The following is an entry in ClinVar:

ClinVar aggregate classification (germline): Uncertain significance (1 of 4 stars; one submission).

Submission:

Labcorp Genetics (formerly Invitae), Labcorp
Classification: Uncertain significance. Last evaluated: 2024-02-20. Review status: criteria provided, single submitter. Criteria: Invitae Variant Classification Sherloc (09022015). Collection method: clinical testing. Allele origin: germline.
Comment: This sequence change replaces serine, which is neutral and polar, with proline, which is neutral and non-polar, at codon 468 of the RFWD3 protein (p.Ser468Pro). This variant is not present in population databases (gnomAD no frequency). This variant has not been reported in the literature in individuals affected with RFWD3-related conditions. An algorithm developed to predict the effect of missense changes on protein structure and function (PolyPhen-2) suggests that this variant is likely to be disruptive. In summary, the available evidence is currently insufficient to determine the role of this variant in disease. Therefore, it has been classified as a Variant of Uncertain Significance.

NM_018124.4(RFWD3):c.1402T>C (p.Ser468Pro)

Gene: RFWD3 (ring finger and WD repeat domain 3; minus strand). Cytogenetic location: 16q23.1.
Variant type: single nucleotide variant.
Coding change: c.1402T>C on transcript NM_018124.4 (MANE Select); coding-DNA position 1402, T replaced by C.
Protein change: p.Ser468Pro; replaces serine 468 with proline.
Molecular consequence: missense variant.
Genome position (GRCh38, 1-based): chr16:74,636,370, A>G on the plus strand (T>C on the coding strand, the complement: RFWD3 is on the minus strand). VCF-style: chr16-74636370-A-G. GRCh37 (hg19) VCF-style: chr16-74670268-A-G.
Other names: c.1402T>C, p.Ser468Pro (NM_001370534.1, NM_001370535.1, NM_001370536.1); c.568T>C, p.Ser190Pro (NM_001370537.1, NM_001370539.1, NM_001370540.1 and 2 more transcripts); short protein forms S468P, S190P.
Identifiers: ClinVar variation 3677253 (VCV003677253.2).
Genomic context (GRCh38, chr16:74,636,370, plus strand): 5'-TAAAGAACATGAAAGCTGAGGTTCTAGACTCTTTACCTGGAAGAAAAGAGGCCTGAGGAG[A>G]AGGCTGTGATATCACCAGGCAGCTCAGAGCATCACAGTATGCCATGATCCGGCAGTTTCC-3'
Protein context (NP_060594.3, residues 458-478): ALSCLVISQP[Ser468Pro]PQASFLPGFG